The following is an entry in ClinVar:

ClinVar aggregate classification (germline): Conflicting classifications of pathogenicity. Review status: criteria provided, conflicting classifications (1 of 4 stars). 4 submissions from 4 submitters: Uncertain significance (2); Likely benign (2). Last evaluated 2023-09-12.

Conditions:
Inborn genetic diseases. Identifiers: MedGen C0950123, MeSH D030342.
Short stature-pituitary and cerebellar defects-small sella turcica syndrome (CPHD4). Also called: Pituitary hormone deficiency, combined with or without cerebellar defects; Short stature, pituitary and cerebellar defects and small sella turcica. Identifiers: Orphanet 85442, MedGen C2678408, MONDO:0009880, OMIM 262700.

Allele frequency attached by ClinVar (database versions not stated): gnomAD exomes 0.00005 and 0.00013; TOPMed 0.00006; gnomAD 0.00007; ESP Exome Variant Server 0.00008; ExAC 0.00014.
gnomAD v4.1: 89 of 1,614,102 alleles (0.0055%); highest among the groups gnomAD compares: Non-Finnish European, 0.00093%; no homozygotes.

Submissions (4):

Ambry Genetics
Classification: Uncertain significance for Inborn genetic diseases. Last evaluated: 2023-09-12. Review status: criteria provided, single submitter. Criteria: Ambry Variant Classification Scheme 2023. Collection method: clinical testing. Allele origin: germline.

CeGaT Center for Human Genetics Tuebingen
Classification: Likely benign. Last evaluated: 2023-09-01. Review status: criteria provided, single submitter. Criteria: CeGaT Center For Human Genetics Tuebingen Variant Classification Criteria Version 2. Collection method: clinical testing. Allele origin: germline. Affected: yes. Observed: 1 variant allele.
Comment: LHX4: PP3, BS2

Labcorp Genetics (formerly Invitae), Labcorp
Classification: Likely benign. Last evaluated: 2022-07-03. Review status: criteria provided, single submitter. Criteria: Invitae Variant Classification Sherloc (09022015). Collection method: clinical testing. Allele origin: germline.

Illumina Laboratory Services, Illumina
Classification: Uncertain significance for Short stature-pituitary and cerebellar defects-small sella turcica syndrome. Last evaluated: 2018-01-12. Review status: criteria provided, single submitter. Criteria: ICSL Variant Classification Criteria 13 December 2019. Collection method: clinical testing. Allele origin: germline.

NM_033343.4(LHX4):c.146A>G (p.His49Arg)

Gene: LHX4 (LIM homeobox 4; plus strand). Cytogenetic location: 1q25.2.
Variant type: single nucleotide variant.
Coding change: c.146A>G on transcript NM_033343.4 (MANE Select); coding-DNA position 146, A replaced by G.
Protein change: p.His49Arg; replaces histidine 49 with arginine.
Molecular consequence: missense variant.
Genome position (GRCh38, 1-based): chr1:180,248,354, A>G. VCF-style: chr1-180248354-A-G. GRCh37 (hg19) VCF-style: chr1-180217489-A-G.
Other names: short protein forms H49R.
Identifiers: ClinVar variation 293861 (VCV000293861.35), dbSNP rs368995644, ClinGen allele CA1271808.
Genomic context (GRCh38, chr1:180,248,354, plus strand): 5'-AGTGCGCTGGCTGCAACCAGCACATCCTGGACAAGTTCATCCTGAAGGTCCTGGACAGAC[A>G]CTGGCACAGCTCCTGCCTCAAGTGTGCAGACTGCCAGATGCAGCTGGCGGACAGGTGCTT-3'
Protein context (NP_203129.1, residues 39-59): DKFILKVLDR[His49Arg]WHSSCLKCAD